The following is an entry in ClinVar:

ClinVar aggregate classification (germline): Uncertain significance (1 of 4 stars; one submission).

Conditions:
Agammaglobulinemia 6, autosomal recessive (AGM6). Also called: AGAMMAGLOBULINEMIA 6; AGAMMAGLOBULINEMIA, AUTOSOMAL RECESSIVE, DUE TO CD79B DEFECT. Identifiers: MedGen C3150207, MONDO:0012987, OMIM 612692.

Submission:

Labcorp Genetics (formerly Invitae), Labcorp
Classification: Uncertain significance for Agammaglobulinemia 6, autosomal recessive. Last evaluated: 2022-07-12. Review status: criteria provided, single submitter. Criteria: Invitae Variant Classification Sherloc (09022015). Collection method: clinical testing. Allele origin: germline.
Comment: In summary, the available evidence is currently insufficient to determine the role of this variant in disease. Therefore, it has been classified as a Variant of Uncertain Significance. Algorithms developed to predict the effect of missense changes on protein structure and function are either unavailable or do not agree on the potential impact of this missense change (SIFT: "Not Available"; PolyPhen-2: "Probably Damaging"; Align-GVGD: "Not Available"). ClinVar contains an entry for this variant (Variation ID: 1005019). This variant has not been reported in the literature in individuals affected with CD79B-related conditions. This variant is not present in population databases (gnomAD no frequency). This sequence change replaces phenylalanine, which is neutral and non-polar, with cysteine, which is neutral and slightly polar, at codon 114 of the CD79B protein (p.Phe114Cys).

NM_000626.4(CD79B):c.341T>G (p.Phe114Cys)

Genes: CD79B (CD79b molecule; minus strand), GH-LCR (growth hormone locus control region; plus strand). Cytogenetic location: 17q23.3.
Variant type: single nucleotide variant.
Coding change: c.341T>G on transcript NM_000626.4 (MANE Select); coding-DNA position 341, T replaced by G.
Protein change: p.Phe114Cys; replaces phenylalanine 114 with cysteine.
Molecular consequence: missense variant. On other transcripts: intron variant (2).
Genome position (GRCh38, 1-based): chr17:63,930,163, A>C on the plus strand (T>G on the coding strand, the complement: CD79B is on the minus strand). VCF-style: chr17-63930163-A-C. GRCh37 (hg19) VCF-style: chr17-62007523-A-C.
Other names: c.344T>G, p.Phe115Cys (NM_001039933.3); c.119-275T>G (NM_021602.4); c.122-275T>G (NM_001329050.2); short protein forms F114C, F115C.
Identifiers: ClinVar variation 1005019 (VCV001005019.8), dbSNP rs1908032776, ClinGen allele CA400604634.